The following is an entry in ClinVar:

NM_001127222.2(CACNA1A):c.5250-55G>A

Gene: CACNA1A (calcium voltage-gated channel subunit alpha1 A; minus strand). Cytogenetic location: 19p13.13.
Variant type: single nucleotide variant.
Coding change: c.5250-55G>A on transcript NM_001127222.2 (MANE Select); 55 bases into the intron before coding-DNA position 5250, G replaced by A.
Molecular consequence: intron variant.
Genome position (GRCh38, 1-based): chr19:13,231,915, C>T on the plus strand (G>A on the coding strand, the complement: CACNA1A is on the minus strand). VCF-style: chr19-13231915-C-T. GRCh37 (hg19) VCF-style: chr19-13342729-C-T.
Other names: c.5253-55G>A (NM_001127221.2); c.5259-55G>A (NM_001174080.2); c.5268-55G>A (NM_000068.4, NM_023035.3).
Identifiers: ClinVar variation 677546 (VCV000677546.2), dbSNP rs144170644, ClinGen allele CA305514007.

ClinVar aggregate classification (germline): Likely benign. Review status: criteria provided, multiple submitters, no conflicts (2 of 4 stars). 2 submissions from 2 submitters: Likely benign (2). Last evaluated 2018-06-14.

Allele frequency attached by ClinVar (database versions not stated): gnomAD 0.01043 and 0.01096; TOPMed 0.01133; 1000 Genomes Project 0.01358; 1000 Genomes Project 30x 0.01437.
gnomAD v4.1: 3,040 of 1,563,304 alleles (0.19%); highest among the groups gnomAD compares: African/African-American, 3.5%; 51 homozygotes.

Submissions (2):

GeneDx
Classification: Likely benign. Last evaluated: 2018-06-14. Review status: criteria provided, single submitter. Criteria: GeneDx Variant Classification (06012015). Collection method: clinical testing. Allele origin: germline. Affected: yes.
Comment: This variant is considered likely benign or benign based on one or more of the following criteria: it is a conservative change, it occurs at a poorly conserved position in the protein, it is predicted to be benign by multiple in silico algorithms, and/or has population frequency not consistent with disease.

Breakthrough Genomics
Classification: Likely benign. Review status: criteria provided, single submitter. Criteria: ACMG Guidelines, 2015. Collection method: not provided. Allele origin: germline. Inheritance: Autosomal dominant inheritance. Affected: yes.